The following is an entry in ClinVar:

NM_000264.5(PTCH1):c.584G>A (p.Arg195Lys)

Gene: PTCH1 (patched 1; minus strand). Cytogenetic location: 9q22.32.
Variant type: single nucleotide variant.
Coding change: c.584G>A on transcript NM_000264.5 (MANE Select); coding-DNA position 584, G replaced by A.
Protein change: p.Arg195Lys; replaces arginine 195 with lysine.
Molecular consequence: missense variant. On other transcripts: non-coding transcript variant (1).
Genome position (GRCh38, 1-based): chr9:95,485,685, C>T on the plus strand (G>A on the coding strand, the complement: PTCH1 is on the minus strand). VCF-style: chr9-95485685-C-T. GRCh37 (hg19) VCF-style: chr9-98247967-C-T.
Other names: c.386G>A, p.Arg129Lys (NM_001083602.3, NM_001354919.2); c.581G>A, p.Arg194Lys (NM_001083603.3); c.131G>A, p.Arg44Lys (NM_001083604.3, NM_001083605.3, NM_001083606.3 and 1 more transcripts); c.584G>A, p.Arg195Lys (NM_001354918.2); short protein forms R129K, R194K, R195K, R44K.
Identifiers: ClinVar variation 1076491 (VCV001076491.7), dbSNP rs1554702009, ClinGen allele CA374116547.

ClinVar aggregate classification (germline): Pathogenic (1 of 4 stars; one submission).

Conditions:
Gorlin syndrome. Also called: Basal cell nevus syndrome; Nevoid Basal Cell Carcinoma Syndrome. Identifiers: Orphanet 377, MedGen C0004779, MONDO:0007187.

Submission:

Labcorp Genetics (formerly Invitae), Labcorp
Classification: Pathogenic for Gorlin syndrome. Last evaluated: 2020-09-09. Review status: criteria provided, single submitter. Criteria: Invitae Variant Classification Sherloc (09022015). Collection method: clinical testing. Allele origin: germline.
Comment: For these reasons, this variant has been classified as Pathogenic. This sequence change replaces arginine with lysine at codon 195 of the PTCH1 protein (p.Arg195Lys). The arginine residue is moderately conserved and there is a small physicochemical difference between arginine and lysine. This variant also falls at the last nucleotide of exon 3 of the PTCH1 coding sequence, which is part of the consensus splice site for this exon. This variant is not present in population databases (ExAC no frequency). This variant has been observed in individual(s) with nevoid basal cell carcinoma syndrome (NBCCS) (PMID: 16203740, 22434048, Invitae). Algorithms developed to predict the effect of missense changes on protein structure and function (SIFT, PolyPhen-2, Align-GVGD) all suggest that this variant is likely to be tolerated, but these predictions have not been confirmed by published functional studies and their clinical significance is uncertain. Nucleotide substitutions within the consensus splice site are a relatively common cause of aberrant splicing (PMID: 17576681, 9536098). Experimental studies have shown that this variant disrupts mRNA splicing (PMID: 16203740, 27561271).

Literature cited by the submitters: PubMed 16203740; PubMed 22434048; PubMed 17576681; PubMed 9536098; PubMed 27561271.